The following is an entry in ClinVar:

ClinVar aggregate classification (germline): Pathogenic (1 of 4 stars; one submission).

Conditions:
Hereditary cancer-predisposing syndrome. Also called: Tumor predisposition; Neoplastic Syndromes, Hereditary; Hereditary neoplastic syndrome; Hereditary Cancer Syndrome. Identifiers: Orphanet 140162, MedGen C0027672, MeSH D009386, MONDO:0015356.

Submission:

Ambry Genetics
Classification: Pathogenic for Hereditary cancer-predisposing syndrome. Last evaluated: 2025-08-28. Review status: criteria provided, single submitter. Criteria: Ambry Variant Classification Scheme 2023. Collection method: clinical testing. Allele origin: germline.
Comment: The c.667_670delAAAC pathogenic mutation, located in coding exon 4 of the MSH3 gene, results from a deletion of 4 nucleotides at nucleotide positions 667 to 670, causing a translational frameshift with a predicted alternate stop codon (p.K223Gfs*9). This variant is considered to be rare based on population cohorts in the Genome Aggregation Database (gnomAD). This alteration is expected to result in loss of function by premature protein truncation or nonsense-mediated mRNA decay. As such, this alteration is interpreted as a disease-causing mutation.

NM_002439.5(MSH3):c.667_670del (p.Lys223fs)

Gene: MSH3 (mutS homolog 3; plus strand). Cytogenetic location: 5q14.1.
Variant type: Deletion.
Coding change: c.667_670del on transcript NM_002439.5 (MANE Select); coding-DNA positions 667 to 670, 4 bases deleted (AAAC; older notation c.667_670delAAAC).
Protein change: p.Lys223fs; shifts the reading frame from lysine 223.
Molecular consequence: frameshift variant.
Genome position (GRCh38, 1-based): chr5:80,670,184-80,670,187, AAAC deleted; deleting any 4 consecutive bases within chr5:80,670,181-80,670,187 gives the same sequence; the c. name uses the placement nearest the transcript's 3' end. VCF-style (leftmost placement, unchanged base first): chr5-80670180-TAACA-T. GRCh37 (hg19) VCF-style: chr5-79965999-TAACA-T.
Other names: short protein forms K223fs.
Identifiers: ClinVar variation 4111118 (VCV004111118.1).
Genomic context (GRCh38, chr5:80,670,180, plus strand): 5'-TCAGTTTGGATCATCAAATACAAGTCATGAAAATTTACAGAAAACTGCTTCCAAATCAGC[TAACA>T]AACGGTCCAAAAGCATCTATACGCCGCTAGAATTACAATACATAGAAATGAAGCAGCAGC-3'